The following is an entry in ClinVar:

NM_000264.5(PTCH1):c.3916C>A (p.Pro1306Thr)

Gene: PTCH1 (patched 1; minus strand). Cytogenetic location: 9q22.32.
Variant type: single nucleotide variant.
Coding change: c.3916C>A on transcript NM_000264.5 (MANE Select); coding-DNA position 3916, C replaced by A.
Protein change: p.Pro1306Thr; replaces proline 1306 with threonine.
Molecular consequence: missense variant. On other transcripts: non-coding transcript variant (1).
Genome position (GRCh38, 1-based): chr9:95,447,340, G>T on the plus strand (C>A on the coding strand, the complement: PTCH1 is on the minus strand). VCF-style: chr9-95447340-G-T. GRCh37 (hg19) VCF-style: chr9-98209622-G-T.
Other names: c.3718C>A, p.Pro1240Thr (NM_001083602.3); c.3913C>A, p.Pro1305Thr (NM_001083603.3); c.3463C>A, p.Pro1155Thr (NM_001083604.3, NM_001083605.3, NM_001083606.3 and 1 more transcripts); c.3760C>A, p.Pro1254Thr (NM_001354918.2); c.3916C>A (NM_000264.3); short protein forms P1155T, P1240T, P1254T, P1305T, P1306T.
Identifiers: ClinVar variation 1005345 (VCV001005345.10), dbSNP rs1169961504, ClinGen allele CA374110670.
Genomic context (GRCh38, chr9:95,447,340, plus strand): 5'-AAATTTCAAAAGCGTCTCTGCGCGGTCTGTAGGGGGGTGGCCACAAGCCTTCTCTGGGGG[G>T]GTCCCTGCGGGGCTGCTGGCCTTGCCGTCCGGGAGGCAGGGACCCTGAGTCCAGGTGGGG-3'
Protein context (NP_000255.2, residues 1296-1316): GRQGQQPRRD[Pro1306Thr]PREGLWPPPY

ClinVar aggregate classification (germline): Uncertain significance. Review status: criteria provided, multiple submitters, no conflicts (2 of 4 stars). 2 submissions from 2 submitters: Uncertain significance (2). Last evaluated 2025-11-13.

Conditions:
Hereditary cancer-predisposing syndrome. Also called: Hereditary neoplastic syndrome; Neoplastic Syndromes, Hereditary; Tumor predisposition; Hereditary Cancer Syndrome. Identifiers: Orphanet 140162, MedGen C0027672, MeSH D009386, MONDO:0015356.
Gorlin syndrome. Also called: Nevoid Basal Cell Carcinoma Syndrome; Basal cell nevus syndrome. Identifiers: Orphanet 377, MedGen C0004779, MONDO:0007187.

Allele frequency attached by ClinVar (database versions not stated): gnomAD 0.00001.
gnomAD v4.1: 2 of 1,613,360 alleles (0.00012%); highest among the groups gnomAD compares: African/African-American, 0.0013%; no homozygotes.

Submissions (2):

Labcorp Genetics (formerly Invitae), Labcorp
Classification: Uncertain significance for Gorlin syndrome. Last evaluated: 2025-11-13. Review status: criteria provided, single submitter. Criteria: Invitae Variant Classification Sherloc (09022015). Collection method: clinical testing. Allele origin: germline.
Comment: This sequence change replaces proline, which is neutral and non-polar, with threonine, which is neutral and polar, at codon 1306 of the PTCH1 protein (p.Pro1306Thr). This variant is not present in population databases (gnomAD no frequency). This variant has not been reported in the literature in individuals affected with PTCH1-related conditions. ClinVar contains an entry for this variant (Variation ID: 1005345). Invitae Evidence Modeling of protein sequence and biophysical properties (such as structural, functional, and spatial information, amino acid conservation, physicochemical variation, residue mobility, and thermodynamic stability) indicates that this missense variant is not expected to disrupt PTCH1 protein function with a negative predictive value of 95%. In summary, the available evidence is currently insufficient to determine the role of this variant in disease. Therefore, it has been classified as a Variant of Uncertain Significance.

Ambry Genetics
Classification: Uncertain significance for Hereditary cancer-predisposing syndrome. Last evaluated: 2023-11-08. Review status: criteria provided, single submitter. Criteria: Ambry Variant Classification Scheme 2023. Collection method: clinical testing. Allele origin: germline.
Comment: The p.P1306T variant (also known as c.3916C>A), located in coding exon 23 of the PTCH1 gene, results from a C to A substitution at nucleotide position 3916. The proline at codon 1306 is replaced by threonine, an amino acid with highly similar properties. This amino acid position is conserved. In addition, this alteration is predicted to be tolerated by in silico analysis. Since supporting evidence is limited at this time, the clinical significance of this alteration remains unclear.